The following is an entry in ClinVar:

ClinVar aggregate classification (germline): Likely pathogenic (1 of 4 stars; one submission).

Conditions:
KDM2A-related neurodevelopmental disorder.

Submission:

Institute of Human Genetics, University of Leipzig Medical Center
Classification: Likely pathogenic for KDM2A-related neurodevelopmental disorder. Last evaluated: 2025-01-20. Review status: criteria provided, single submitter. Criteria: ACMG Guidelines, 2015. Collection method: research. Allele origin: de novo. Inheritance: Autosomal dominant inheritance. Affected: yes.
Comment: Criteria applied: PS2_MOD, PM, PP2, PP3

Literature cited by the submitters: DOI 10.1101/2025.03.31.25324695.

NM_012308.3(KDM2A):c.956G>A (p.Arg319Gln)

Gene: KDM2A (lysine demethylase 2A; plus strand). Cytogenetic location: 11q13.2.
Variant type: single nucleotide variant.
Coding change: c.956G>A on transcript NM_012308.3 (MANE Select); coding-DNA position 956, G replaced by A.
Protein change: p.Arg319Gln; replaces arginine 319 with glutamine.
Molecular consequence: missense variant. On other transcripts: non-coding transcript variant (1).
Genome position (GRCh38, 1-based): chr11:67,219,402, G>A. VCF-style: chr11-67219402-G-A. GRCh37 (hg19) VCF-style: chr11-66986873-G-A.
Other names: short protein forms R319Q.
Identifiers: ClinVar variation 3778811 (VCV003778811.1).